The following is an entry in ClinVar:

ClinVar aggregate classification (germline): Benign. Review status: reviewed by expert panel (3 of 4 stars). 3 submissions from 3 submitters: Benign (1). 2 of the submissions do not count toward it. Last evaluated 2023-08-10.

Conditions:
CDH1-related diffuse gastric and lobular breast cancer syndrome. Also called: CDH1-related diffuse gastric and lobular breast cancer. Identifiers: MedGen CN311521, MONDO:0100488.
Hereditary diffuse gastric adenocarcinoma (HDGC). Also called: DIFFUSE GASTRIC AND LOBULAR BREAST CANCER SYNDROME. Identifiers: Orphanet 26106, MedGen C1708349, MONDO:0007648, OMIM 137215.

Allele frequency attached by ClinVar (database versions not stated): gnomAD exomes 0.03327; gnomAD 0.07556 and 0.07789; TOPMed 0.08519; 1000 Genomes Project 0.10304; 1000 Genomes Project 30x 0.10400.
gnomAD v4.1: 18,996 of 380,440 alleles (5%); highest among the groups gnomAD compares: African/African-American, 20%; 1,250 homozygotes.

Submissions (3):

Clingen Gastric Cancer Variant Curation Expert Panel
Classification: Benign for CDH1-related diffuse gastric and lobular breast cancer syndrome. Last evaluated: 2023-08-10. Review status: reviewed by expert panel. Criteria: ClinGen CDH1 ACMG Specifications V3.1. Collection method: curation. Allele origin: germline. Inheritance: Autosomal dominant inheritance.
Comment: The NM_004360.5(CDH1):c.*589C>T variant has an allele frequency of 0.20460 (20%, 1769/8646 alleles, 174 homozygotes) in the African subpopulation of the gnomAD v2.1.1 cohort (BA1; BP2). Therefore, this variant meets criteria to be classified as benign. ACMG/AMP criteria applied, as specified by the CDH1 Variant Curation Expert Panel (Variant Interpretation Guidelines Version 3.1): BA1, BP2.

Illumina Laboratory Services, Illumina
Classification: Benign for Hereditary diffuse gastric adenocarcinoma. Last evaluated: 2018-01-13. Review status: criteria provided, single submitter. Criteria: ICSL Variant Classification Criteria 13 December 2019. Collection method: clinical testing. Allele origin: germline. Not counted in ClinVar's aggregate classification.
Comment: This variant was observed in the ICSL laboratory as part of a predisposition screen in an ostensibly healthy population. It had not been previously curated by ICSL or reported in the Human Gene Mutation Database (HGMD: prior to June 1st, 2018), and was therefore a candidate for classification through an automated scoring system. Utilizing variant allele frequency, disease prevalence and penetrance estimates, and inheritance mode, an automated score was calculated to assess if this variant is too frequent to cause the disease. Based on the score and internal cut-off values, a variant classified as benign is not then subjected to further curation. The score for this variant resulted in a classification of benign for this disease.

Breakthrough Genomics
Classification: Benign. Review status: criteria provided, single submitter. Criteria: ACMG Guidelines, 2015. Collection method: not provided. Allele origin: germline. Inheritance: Autosomal dominant inheritance. Affected: yes. Not counted in ClinVar's aggregate classification.

NM_004360.5(CDH1):c.*589C>T

Gene: CDH1 (cadherin 1; plus strand). Cytogenetic location: 16q22.1.
Variant type: single nucleotide variant.
Coding change: c.*589C>T on transcript NM_004360.5 (MANE Select); 589 bases downstream of the stop codon, C replaced by T.
Molecular consequence: 3 prime UTR variant.
Genome position (GRCh38, 1-based): chr16:68,834,088, C>T. VCF-style: chr16-68834088-C-T. GRCh37 (hg19) VCF-style: chr16-68867991-C-T.
Other names: c.*589C>T (LRG_301t1, NM_001317184.2, NM_001317185.2 and 1 more transcripts).
Identifiers: ClinVar variation 320281 (VCV000320281.9), dbSNP rs8049282, ClinGen allele CA10638244.